The following is an entry in ClinVar:

ClinVar aggregate classification (germline): Uncertain significance. Review status: criteria provided, multiple submitters, no conflicts (2 of 4 stars). 2 submissions from 2 submitters: Uncertain significance (2). Last evaluated 2022-06-17.

Submissions (2):

Blueprint Genetics
Classification: Uncertain significance. Last evaluated: 2022-06-17. Review status: criteria provided, single submitter. Criteria: ACMG Guidelines, 2015. Collection method: clinical testing. Allele origin: germline.

Labcorp Genetics (formerly Invitae), Labcorp
Classification: Uncertain significance. Last evaluated: 2019-11-28. Review status: criteria provided, single submitter. Criteria: Invitae Variant Classification Sherloc (09022015). Collection method: clinical testing. Allele origin: germline.
Comment: This variant has not been reported in the literature in individuals with CEP250-related conditions. Experimental studies and prediction algorithms are not available or were not evaluated, and the functional significance of this variant is currently unknown. In summary, the available evidence is currently insufficient to determine the role of this variant in disease. Therefore, it has been classified as a Variant of Uncertain Significance. This variant is not present in population databases (ExAC no frequency). This variant, c.4990_4992del, results in the deletion of 1 amino acid(s) of the CEP250 protein (p.Lys1664del), but otherwise preserves the integrity of the reading frame.

NM_007186.6(CEP250):c.4990_4992del (p.Lys1664del)

Gene: CEP250 (centrosomal protein 250; plus strand). Cytogenetic location: 20q11.22.
Variant type: Deletion.
Coding change: c.4990_4992del on transcript NM_007186.6 (MANE Select); coding-DNA positions 4990 to 4992, 3 bases deleted (AAG; older notation c.4990_4992delAAG).
Protein change: p.Lys1664del; deletes lysine 1664.
Molecular consequence: inframe deletion.
Genome position (GRCh38, 1-based): chr20:35,503,359-35,503,361, AAG deleted; deleting any 3 consecutive bases within chr20:35,503,357-35,503,361 gives the same sequence; the c. name uses the placement nearest the transcript's 3' end. VCF-style (leftmost placement, unchanged base first): chr20-35503356-CAGA-C. GRCh37 (hg19) VCF-style: chr20-34091184-CAGA-C.
Other names: c.3094_3096del, p.Lys1032del (NM_001318219.1); short protein forms K1032del, K1664del.
Identifiers: ClinVar variation 839224 (VCV000839224.10), dbSNP rs1451798723, ClinGen allele CA635722312.
Genomic context (GRCh38, chr20:35,503,356, plus strand): 5'-CAGAGGCAGAAAGAGCATCTGACTCAGGATCTCGAGAGGAGAGACCAGGAGCTGATGCTG[CAGA>C]AGGAGAGGATTCAGGTTCTCGAGGATCAGAGGACCCGGCAGACCAAGATCCTGGAGGAGG-3'